The following is an entry in ClinVar:

NM_022437.3(ABCG8):c.1129A>G (p.Ser377Gly)

Gene: ABCG8 (ATP binding cassette subfamily G member 8; plus strand). Cytogenetic location: 2p21.
Variant type: single nucleotide variant.
Coding change: c.1129A>G on transcript NM_022437.3 (MANE Select); coding-DNA position 1129, A replaced by G.
Protein change: p.Ser377Gly; replaces serine 377 with glycine.
Molecular consequence: missense variant. On other transcripts: splice acceptor variant (1).
Genome position (GRCh38, 1-based): chr2:43,872,224, A>G. VCF-style: chr2-43872224-A-G. GRCh37 (hg19) VCF-style: chr2-44099363-A-G.
Other names: c.1128-2A>G (NM_001357321.2); short protein forms S377G.
Identifiers: ClinVar variation 4762769 (VCV004762769.1).
Genomic context (GRCh38, chr2:43,872,224, plus strand): 5'-GAGAGCTCCCTGCAGAAGGTGGCTGCCCCCATGACCTGGCCACATCTTCTGCCTCCCAGC[A>G]GCGTGACCCCACTAGACACCAACTGCCTCCCGAGTCCTACGAAGATGCCTGGGGCGGTGC-3'
Protein context (NP_071882.1, residues 367-387): DLDEDTCVES[Ser377Gly]VTPLDTNCLP

ClinVar aggregate classification (germline): Uncertain significance (1 of 4 stars; one submission).

gnomAD v4.1: 1 of 1,613,986 alleles (0.000062%); highest among the groups gnomAD compares: Non-Finnish European, 0.000085%; no homozygotes.

Submission:

Labcorp Genetics (formerly Invitae), Labcorp
Classification: Uncertain significance. Last evaluated: 2025-07-31. Review status: criteria provided, single submitter. Criteria: Invitae Variant Classification Sherloc (09022015). Collection method: clinical testing. Allele origin: germline.
Comment: This sequence change replaces serine, which is neutral and polar, with glycine, which is neutral and non-polar, at codon 377 of the ABCG8 protein (p.Ser377Gly). This variant is not present in population databases (gnomAD no frequency). This variant has not been reported in the literature in individuals affected with ABCG8-related conditions. An algorithm developed to predict the effect of missense changes on protein structure and function (PolyPhen-2) suggests that this variant is likely to be tolerated. In summary, the available evidence is currently insufficient to determine the role of this variant in disease. Therefore, it has been classified as a Variant of Uncertain Significance.